The following is an entry in ClinVar:

ClinVar aggregate classification (germline): Uncertain significance (1 of 4 stars; one submission).

Conditions:
Familial infantile myasthenia (CMS6). Also called: MYASTHENIC SYNDROME, CONGENITAL, 6, PRESYNAPTIC; MYASTHENIC SYNDROME, PRESYNAPTIC, CONGENITAL, ASSOCIATED WITH EPISODIC APNEA; Congenital myasthenic syndrome type 6. Identifiers: Orphanet 590, MedGen C0393929, MONDO:0009689, OMIM 254210.

Allele frequency attached by ClinVar (database versions not stated): TOPMed below 0.00001; ExAC 0.00001; gnomAD exomes 0.00001.
gnomAD v4.1: 3 of 1,614,188 alleles (0.00019%); highest among the groups gnomAD compares: Admixed American, 0.0017%; no homozygotes.

Submission:

Labcorp Genetics (formerly Invitae), Labcorp
Classification: Uncertain significance for Familial infantile myasthenia. Last evaluated: 2021-08-28. Review status: criteria provided, single submitter. Criteria: Invitae Variant Classification Sherloc (09022015). Collection method: clinical testing. Allele origin: germline.
Comment: This sequence change replaces leucine with proline at codon 627 of the CHAT protein (p.Leu627Pro). The leucine residue is highly conserved and there is a moderate physicochemical difference between leucine and proline. This variant is present in population databases (rs775066227, ExAC 0.001%). This variant has not been reported in the literature in individuals affected with CHAT-related conditions. Algorithms developed to predict the effect of missense changes on protein structure and function (SIFT, PolyPhen-2, Align-GVGD) all suggest that this variant is likely to be disruptive. In summary, the available evidence is currently insufficient to determine the role of this variant in disease. Therefore, it has been classified as a Variant of Uncertain Significance.

NM_020549.5(CHAT):c.1880T>C (p.Leu627Pro)

Gene: CHAT (choline O-acetyltransferase; plus strand). Cytogenetic location: 10q11.23.
Variant type: single nucleotide variant.
Coding change: c.1880T>C on transcript NM_020549.5 (MANE Select); coding-DNA position 1880, T replaced by C.
Protein change: p.Leu627Pro; replaces leucine 627 with proline.
Molecular consequence: missense variant.
Genome position (GRCh38, 1-based): chr10:49,662,685, T>C. VCF-style: chr10-49662685-T-C. GRCh37 (hg19) VCF-style: chr10-50870731-T-C.
Other names: c.1526T>C, p.Leu509Pro (NM_001142929.2, NM_001142934.2, NM_020984.4 and 2 more transcripts); c.1634T>C, p.Leu545Pro (NM_001142933.2); short protein forms L509P, L545P, L627P.
Identifiers: ClinVar variation 860063 (VCV000860063.7), dbSNP rs775066227, ClinGen allele CA5497659.
Genomic context (GRCh38, chr10:49,662,685, plus strand): 5'-CTTTGTCCCCAACTACACAGGCCATAACAGGGATGGCCATTGACAACCACCTGCTGGCAC[T>C]GCGGGAGCTGGCCCGGGCCATGTGCAAGGAGCTGCCCGAGATGTTCATGGATGAAACCTA-3'
Protein context (NP_065574.4, residues 617-637): GMAIDNHLLA[Leu627Pro]RELARAMCKE